The following is an entry in ClinVar:

NM_001130144.3(LTBP3):c.1350G>A (p.Ala450=)

Gene: LTBP3 (latent transforming growth factor beta binding protein 3; minus strand). Cytogenetic location: 11q13.1.
Variant type: single nucleotide variant.
Coding change: c.1350G>A on transcript NM_001130144.3 (MANE Select); coding-DNA position 1350, G replaced by A.
Protein change: p.Ala450=; no amino-acid change (alanine 450 retained).
Molecular consequence: synonymous variant.
Genome position (GRCh38, 1-based): chr11:65,552,153, C>T on the plus strand (G>A on the coding strand, the complement: LTBP3 is on the minus strand). VCF-style: chr11-65552153-C-T. GRCh37 (hg19) VCF-style: chr11-65319624-C-T.
Other names: c.999G>A, p.Ala333= (NM_001164266.1); c.1350G>A, p.Ala450= (NM_021070.4).
Identifiers: ClinVar variation 767337 (VCV000767337.16), dbSNP rs772062656, ClinGen allele CA6100993.

ClinVar aggregate classification (germline): Likely benign. Review status: criteria provided, multiple submitters, no conflicts (2 of 4 stars). 3 submissions from 3 submitters: Likely benign (3). Last evaluated 2026-09-01.

Conditions:
Brachyolmia-amelogenesis imperfecta syndrome. Also called: PLATYSPONDYLY WITH AMELOGENESIS IMPERFECTA; Tooth agenesis, selective, 6; Dental anomalies and short stature. Identifiers: Orphanet 2899, MedGen C1832594, MONDO:0011018, OMIM 601216. Disease mechanism: loss of function.
Inborn genetic diseases. Identifiers: MedGen C0950123, MeSH D030342.

Allele frequency attached by ClinVar (database versions not stated): gnomAD 0.00003 and 0.00004; gnomAD exomes 0.00005 and 0.00024; TOPMed 0.00012; ExAC 0.00014.
gnomAD v4.1: 80 of 1,614,000 alleles (0.005%); highest among the groups gnomAD compares: Admixed American, 0.11%; no homozygotes.

Submissions (3):

CeGaT Center for Human Genetics Tuebingen
Classification: Likely benign. Last evaluated: 2026-09-01. Review status: criteria provided, single submitter. Criteria: CeGaT Center For Human Genetics Tuebingen Variant Classification Criteria Version 2. Collection method: clinical testing. Allele origin: germline. Affected: yes. Observed: 2 variant alleles.
Comment: LTBP3: BP4, BP7

Labcorp Genetics (formerly Invitae), Labcorp
Classification: Likely benign for Brachyolmia-amelogenesis imperfecta syndrome. Last evaluated: 2025-12-15. Review status: criteria provided, single submitter. Criteria: Invitae Variant Classification Sherloc (09022015). Collection method: clinical testing. Allele origin: germline.

Ambry Genetics
Classification: Likely benign for Inborn genetic diseases. Last evaluated: 2022-03-30. Review status: criteria provided, single submitter. Criteria: Ambry Variant Classification Scheme 2023. Collection method: clinical testing. Allele origin: germline.